The following is an entry in ClinVar:

NM_000459.5(TEK):c.2752C>T (p.Arg918Cys)

Gene: TEK (TEK receptor tyrosine kinase; plus strand). Cytogenetic location: 9p21.2.
Variant type: single nucleotide variant.
Coding change: c.2752C>T on transcript NM_000459.5 (MANE Select); coding-DNA position 2752, C replaced by T.
Protein change: p.Arg918Cys; replaces arginine 918 with cysteine.
Molecular consequence: missense variant.
Genome position (GRCh38, 1-based): chr9:27,212,772, C>T. VCF-style: chr9-27212772-C-T. GRCh37 (hg19) VCF-style: chr9-27212770-C-T.
Other names: c.2623C>T, p.Arg875Cys (NM_001290077.2); c.2308C>T, p.Arg770Cys (NM_001290078.2); c.2749C>T, p.Arg917Cys (NM_001375475.1); c.2620C>T, p.Arg874Cys (NM_001375476.1); short protein forms R770C, R874C, R875C, R917C, R918C.
Identifiers: ClinVar variation 981228 (VCV000981228.3), dbSNP rs1825683100, ClinGen allele CA373123037.

ClinVar aggregate classification (germline): Pathogenic/Likely pathogenic. Review status: criteria provided, multiple submitters, no conflicts (2 of 4 stars). 3 submissions from 3 submitters: Pathogenic (1); Likely pathogenic (1). 1 of the submissions does not count toward it. Last evaluated 2024-12-17.

Conditions:
Multiple cutaneous and mucosal venous malformations (VMCM). Also called: TEK-Related Multiple Cutaneous and Mucosal Venous Malformations (VMCM). Identifiers: Orphanet 2451, MedGen C1838437, MONDO:0010842, OMIM 600195.
Abnormal cardiovascular system morphology. Also called: Abnormality of cardiovascular system morphology. Identifiers: MedGen C4049796, HP:0030680.

Submissions (3):

Clinical Genomics Laboratory, Washington University in St. Louis
Classification: Pathogenic. Last evaluated: 2024-12-17. Review status: criteria provided, single submitter. Criteria: Leon-Quintero et al. (Clin Genet. 2025). Collection method: clinical testing. Allele origin: somatic. Affected: yes.
Comment: A TEK c.2752C>T (p.Arg918Cys) variant was identified at an allelic fraction consistent with somatic origin. This variant has been reported in multiple individuals with solitary and multiple sporadic venous malformations (Wouters V et al., PMID: 19888299; Ye C et al., PMID: 21962923; Soblet J et al., PMID: 23801934; Kangas J et al., PMID: 29668117; Ten Broek RW et al., PMID: 30677207). It is absent from the general population (gnomAD v.4.1.0), indicating it is not a common variant and has been reported in the ClinVar database as likely pathogenic in a germline state by a single submitter (ClinVar Variation ID:981228). The TEK c.2752C>T (p.Arg918Cys) variant resides within the kinase insert domain of TIE2, which is defined as a critical functional domain (Shewchuk LM et al., PMID: 11080633). Computational predictors indicate that this variant is damaging, evidence that correlates with impact on TIE2 function. In support of this prediction, functional studies show that the p.Arg918Cys variant increases vascular tissue growth via constitutive TIE2 phosphorylation, indicating that this variant impacts protein function (Wouters V et al., PMID: 19888299). Another variant in the same codon, c.2753G>A (p.Arg918His), has also been reported in individuals with venous malformations (ClinVar Variation ID: 452884; Ye C et al., PMID: 21962923). Based on available information and an internally developed protocol informed by the ACMG/AMP guidelines for variant interpretation and gene-specific practices from the ClinGen Criteria Specification Registry (Leon-Quintero FZ et al., PMID: 39434542), the TEK c.2752C>T (p.Arg918Cys) variant is classified as pathogenic.

Laboratory of Medical Genetics, National & Kapodistrian University of Athens
Classification: Likely pathogenic for Multiple cutaneous and mucosal venous malformations. Last evaluated: 2023-06-13. Review status: criteria provided, single submitter. Criteria: ACMG Guidelines, 2015. Collection method: clinical testing. Allele origin: germline. Affected: yes.
Comment: PM2, PM5, PP3, PP5

MAGI's Lab - Research, MAGI Group
Classification: Pathogenic for Abnormal cardiovascular system morphology. Review status: no assertion criteria provided. Collection method: provider interpretation. Allele origin: somatic. Affected: yes. Not counted in ClinVar's aggregate classification.